The following is an entry in ClinVar:

NM_000059.4(BRCA2):c.7465G>A (p.Asp2489Asn)

Gene: BRCA2 (BRCA2 DNA repair associated; plus strand). Cytogenetic location: 13q13.1.
Variant type: single nucleotide variant.
Coding change: c.7465G>A on transcript NM_000059.4 (MANE Select); coding-DNA position 7465, G replaced by A.
Protein change: p.Asp2489Asn; replaces aspartic acid 2489 with asparagine.
Molecular consequence: missense variant.
Genome position (GRCh38, 1-based): chr13:32,356,457, G>A. VCF-style: chr13-32356457-G-A. GRCh37 (hg19) VCF-style: chr13-32930594-G-A.
Other names: short protein forms D2489N.
Identifiers: ClinVar variation 1026489 (VCV001026489.12), dbSNP rs1422201756, ClinGen allele CA387743173.

ClinVar aggregate classification (germline): Conflicting classifications of pathogenicity. Review status: criteria provided, conflicting classifications (1 of 4 stars). 2 submissions from 2 submitters: Uncertain significance (1); Likely benign (1). Last evaluated 2025-04-18.

Conditions:
Hereditary cancer-predisposing syndrome. Also called: Neoplastic Syndromes, Hereditary; Tumor predisposition; Hereditary Cancer Syndrome; Hereditary neoplastic syndrome. Identifiers: Orphanet 140162, MedGen C0027672, MeSH D009386, MONDO:0015356.
Hereditary breast ovarian cancer syndrome. Also called: Hereditary breast and ovarian cancer; Hereditary breast and ovarian cancer syndrome (HBOC); Hereditary breast and ovarian cancer syndrome; BRCA1- and BRCA2-Associated Hereditary Breast and Ovarian Cancer; Hereditary breast and/or ovarian cancer syndrome; Breast and ovarian cancer. Identifiers: Orphanet 145, MedGen C0677776, MeSH D061325, MONDO:0003582. Disease mechanism: loss of function.

Submissions (2):

Ambry Genetics
Classification: Likely benign for Hereditary cancer-predisposing syndrome. Last evaluated: 2025-04-18. Review status: criteria provided, single submitter. Criteria: Ambry Variant Classification Scheme 2023. Collection method: clinical testing. Allele origin: germline.

Labcorp Genetics (formerly Invitae), Labcorp
Classification: Uncertain significance for Hereditary breast ovarian cancer syndrome. Last evaluated: 2020-08-07. Review status: criteria provided, single submitter. Criteria: Invitae Variant Classification Sherloc (09022015). Collection method: clinical testing. Allele origin: germline.
Comment: This sequence change replaces aspartic acid with asparagine at codon 2489 of the BRCA2 protein (p.Asp2489Asn). The aspartic acid residue is highly conserved and there is a small physicochemical difference between aspartic acid and asparagine. This variant is not present in population databases (ExAC no frequency). This variant has not been reported in the literature in individuals with BRCA2-related conditions. Advanced modeling of protein sequence and biophysical properties (such as structural, functional, and spatial information, amino acid conservation, physicochemical variation, residue mobility, and thermodynamic stability) performed at Invitae indicates that this missense variant is not expected to disrupt BRCA2 protein function. In summary, the available evidence is currently insufficient to determine the role of this variant in disease. Therefore, it has been classified as a Variant of Uncertain Significance.